The following is an entry in ClinVar:

ClinVar aggregate classification (germline): Uncertain significance. Review status: criteria provided, multiple submitters, no conflicts (2 of 4 stars). 2 submissions from 2 submitters: Uncertain significance (2). Last evaluated 2025-11-12.

Conditions:
Luscan-Lumish syndrome. Identifiers: Orphanet 597738, MedGen C4085873, MONDO:0014791, OMIM 616831.

Allele frequency attached by ClinVar (database versions not stated): gnomAD exomes below 0.00001; ExAC 0.00001.
gnomAD v4.1: 1 of 1,614,144 alleles (0.000062%); highest among the groups gnomAD compares: Admixed American, 0.0017%; no homozygotes.

Submissions (2):

Women's Health and Genetics/Laboratory Corporation of America, LabCorp
Classification: Uncertain significance. Last evaluated: 2025-11-12. Review status: criteria provided, single submitter. Criteria: LabCorp Variant Classification Summary - May 2015. Collection method: clinical testing. Allele origin: germline.
Comment: Variant summary: SETD2 c.3475G>A (p.Glu1159Lys) results in a conservative amino acid change in the encoded protein sequence. Algorithms developed to predict the effect of missense changes on protein structure and function all suggest that this variant is likely to be tolerated. The variant allele was found at a frequency of 4e-06 in 250996 control chromosomes. The available data on variant occurrences in the general population are insufficient to allow any conclusion about variant significance. To our knowledge, no occurrence of c.3475G>A in individuals affected with SETD2-related conditions and no experimental evidence demonstrating its impact on protein function have been reported. ClinVar contains an entry for this variant (Variation ID: 942359). Based on the evidence outlined above, the variant was classified as uncertain significance.

Labcorp Genetics (formerly Invitae), Labcorp
Classification: Uncertain significance for Luscan-Lumish syndrome. Last evaluated: 2022-08-16. Review status: criteria provided, single submitter. Criteria: Invitae Variant Classification Sherloc (09022015). Collection method: clinical testing. Allele origin: germline.
Comment: In summary, the available evidence is currently insufficient to determine the role of this variant in disease. Therefore, it has been classified as a Variant of Uncertain Significance. Algorithms developed to predict the effect of missense changes on protein structure and function (SIFT, PolyPhen-2, Align-GVGD) all suggest that this variant is likely to be tolerated. ClinVar contains an entry for this variant (Variation ID: 942359). This variant has not been reported in the literature in individuals affected with SETD2-related conditions. This variant is present in population databases (rs755283712, gnomAD 0.003%). This sequence change replaces glutamic acid, which is acidic and polar, with lysine, which is basic and polar, at codon 1159 of the SETD2 protein (p.Glu1159Lys).

NM_014159.7(SETD2):c.3475G>A (p.Glu1159Lys)

Gene: SETD2 (SET domain containing 2, histone lysine methyltransferase; minus strand). Cytogenetic location: 3p21.31.
Variant type: single nucleotide variant.
Coding change: c.3475G>A on transcript NM_014159.7 (MANE Select); coding-DNA position 3475, G replaced by A.
Protein change: p.Glu1159Lys; replaces glutamic acid 1159 with lysine.
Molecular consequence: missense variant. On other transcripts: non-coding transcript variant (1).
Genome position (GRCh38, 1-based): chr3:47,121,161, C>T on the plus strand (G>A on the coding strand, the complement: SETD2 is on the minus strand). VCF-style: chr3-47121161-C-T. GRCh37 (hg19) VCF-style: chr3-47162651-C-T.
Other names: c.3343G>A, p.Glu1115Lys (NM_001349370.3); short protein forms E1159K, E1115K.
Identifiers: ClinVar variation 942359 (VCV000942359.7), dbSNP rs755283712, ClinGen allele CA2363375.
Genomic context (GRCh38, chr3:47,121,161, plus strand): 5'-CAGATTTCACATCTGTATGACTTGTACTATCAACCCCATCACTCTGAGGATGAGAAAGTT[C>T]AGGCAGGCGATTATCTATTTGTTTTCTACTGGACTGTGTAAAAGAAATTTCCGGATTCTT-3'
Protein context (NP_054878.5, residues 1149-1169): SRKQIDNRLP[Glu1159Lys]LSHPQSDGVD